The following is an entry in ClinVar:

NM_000152.5(GAA):c.467C>T (p.Thr156Ile)

Gene: GAA (alpha glucosidase; plus strand). Cytogenetic location: 17q25.3.
Variant type: single nucleotide variant.
Coding change: c.467C>T on transcript NM_000152.5 (MANE Select); coding-DNA position 467, C replaced by T.
Protein change: p.Thr156Ile; replaces threonine 156 with isoleucine.
Molecular consequence: missense variant.
Genome position (GRCh38, 1-based): chr17:80,105,053, C>T. VCF-style: chr17-80105053-C-T. GRCh37 (hg19) VCF-style: chr17-78078852-C-T.
Other names: c.467C>T, p.Thr156Ile (NM_001079803.3, NM_001079804.3); short protein forms T156I.
Identifiers: ClinVar variation 1440854 (VCV001440854.5), dbSNP rs1394741472, ClinGen allele CA401361571.

ClinVar aggregate classification (germline): Uncertain significance (1 of 4 stars; one submission).

Conditions:
Glycogen storage disease, type II (IOPD). Also called: Glucosidase acid-1,4-alpha deficiency; Pompe Disease; GLYCOGENOSIS, GENERALIZED, CARDIAC FORM; GSD II; POMPE DISEASE, INFANTILE-ONSET; GLYCOGEN STORAGE DISEASE II, INFANTILE-ONSET. Identifiers: Orphanet 365, MedGen C0017921, MONDO:0009290, OMIM 232300.

Submission:

Labcorp Genetics (formerly Invitae), Labcorp
Classification: Uncertain significance for Glycogen storage disease, type II. Last evaluated: 2024-02-24. Review status: criteria provided, single submitter. Criteria: Invitae Variant Classification Sherloc (09022015). Collection method: clinical testing. Allele origin: germline.
Comment: This sequence change replaces threonine, which is neutral and polar, with isoleucine, which is neutral and non-polar, at codon 156 of the GAA protein (p.Thr156Ile). This variant is not present in population databases (gnomAD no frequency). This variant has not been reported in the literature in individuals affected with GAA-related conditions. ClinVar contains an entry for this variant (Variation ID: 1440854). Advanced modeling of protein sequence and biophysical properties (such as structural, functional, and spatial information, amino acid conservation, physicochemical variation, residue mobility, and thermodynamic stability) performed at Invitae indicates that this missense variant is not expected to disrupt GAA protein function with a negative predictive value of 95%. In summary, the available evidence is currently insufficient to determine the role of this variant in disease. Therefore, it has been classified as a Variant of Uncertain Significance.